The following is an entry in ClinVar:

NM_015046.7(SETX):c.1150G>A (p.Glu384Lys)

Gene: SETX (senataxin; minus strand). Cytogenetic location: 9q34.13.
Variant type: single nucleotide variant.
Coding change: c.1150G>A on transcript NM_015046.7 (MANE Select); coding-DNA position 1150, G replaced by A.
Protein change: p.Glu384Lys; replaces glutamic acid 384 with lysine.
Molecular consequence: missense variant.
Genome position (GRCh38, 1-based): chr9:132,330,448, C>T on the plus strand (G>A on the coding strand, the complement: SETX is on the minus strand). VCF-style: chr9-132330448-C-T. GRCh37 (hg19) VCF-style: chr9-135205835-C-T.
Other names: c.1150G>A, p.Glu384Lys (NM_001351527.2, NM_001351528.2); short protein forms E384K.
Identifiers: ClinVar variation 3440298 (VCV003440298.2).

ClinVar aggregate classification (germline): Uncertain significance (1 of 4 stars; one submission).

Conditions:
Inborn genetic diseases. Identifiers: MedGen C0950123, MeSH D030342.

Submission:

Ambry Genetics
Classification: Uncertain significance for Inborn genetic diseases. Last evaluated: 2025-01-23. Review status: criteria provided, single submitter. Criteria: Ambry Variant Classification Scheme 2023. Collection method: clinical testing. Allele origin: germline.
Comment: The c.1150G>A (p.E384K) alteration is located in exon 10 (coding exon 8) of the SETX gene. This alteration results from a G to A substitution at nucleotide position 1150, causing the glutamic acid (E) at amino acid position 384 to be replaced by a lysine (K). This variant was not reported in population-based cohorts in the Genome Aggregation Database (gnomAD). This amino acid position is highly conserved in available vertebrate species. This missense alteration is located in a region that has a low rate of benign missense variation (Lek, 2016; Firth, 2009). The in silico prediction for this alteration is inconclusive. Based on insufficient or conflicting evidence, the clinical significance of this alteration remains unclear.